The following is an entry in ClinVar:

NM_000431.4(MVK):c.298G>A (p.Asp100Asn)

Gene: MVK (mevalonate kinase; plus strand). Cytogenetic location: 12q24.11.
Variant type: single nucleotide variant.
Coding change: c.298G>A on transcript NM_000431.4 (MANE Select); coding-DNA position 298, G replaced by A.
Protein change: p.Asp100Asn; replaces aspartic acid 100 with asparagine.
Molecular consequence: missense variant.
Genome position (GRCh38, 1-based): chr12:109,579,873, G>A. VCF-style: chr12-109579873-G-A. GRCh37 (hg19) VCF-style: chr12-110017678-G-A.
Other names: c.298G>A, p.Asp100Asn (NM_001114185.3, NM_001301182.2); short protein forms D100N.
Identifiers: ClinVar variation 863857 (VCV000863857.51), dbSNP rs751713601, ClinGen allele CA6779212.

ClinVar aggregate classification (germline): Conflicting classifications of pathogenicity. Review status: criteria provided, conflicting classifications (1 of 4 stars). 5 submissions from 5 submitters: Uncertain significance (3); Likely benign (2). Last evaluated 2025-01-25.

Conditions:
Porokeratosis 3, disseminated superficial actinic type (POROK3). Also called: POROKERATOSIS 3, MULTIPLE TYPES; POROKERATOSIS 3, MIBELLI TYPE; POROKERATOSIS, DISSEMINATED SUPERFICIAL ACTINIC, 1. Identifiers: MedGen C1867981, MONDO:0008293, OMIM 175900.
Hyperimmunoglobulin D with periodic fever (HIDS). Also called: Hyperimmunoglobulinemia D; Hyperimmunoglobulinemia D with periodic fever; HYPERIMMUNOGLOBULINEMIA D AND PERIODIC FEVER SYNDROME. Identifiers: Orphanet 343, MedGen C0398691, MONDO:0009849, OMIM 260920.
Mevalonic aciduria (MEVA). Identifiers: Orphanet 29, MedGen C1959626, MONDO:0012481, OMIM 610377.
Autoinflammatory syndrome. Identifiers: Orphanet 93665, MedGen C3890737, MONDO:0019751.

Allele frequency attached by ClinVar (database versions not stated): gnomAD 0.00002 and 0.00005; TOPMed 0.00002; ExAC 0.00004; gnomAD exomes 0.00005.
gnomAD v4.1: 81 of 1,614,128 alleles (0.005%); highest among the groups gnomAD compares: South Asian, 0.044%; 1 homozygote.

Submissions (5):

Labcorp Genetics (formerly Invitae), Labcorp
Classification: Uncertain significance for Mevalonic aciduria; Hyperimmunoglobulin D with periodic fever; Porokeratosis 3, disseminated superficial actinic type. Last evaluated: 2025-01-25. Review status: criteria provided, single submitter. Criteria: Invitae Variant Classification Sherloc (09022015). Collection method: clinical testing. Allele origin: germline.
Comment: This sequence change replaces aspartic acid, which is acidic and polar, with asparagine, which is neutral and polar, at codon 100 of the MVK protein (p.Asp100Asn). This variant is present in population databases (rs751713601, gnomAD 0.02%). This variant has not been reported in the literature in individuals affected with MVK-related conditions. ClinVar contains an entry for this variant (Variation ID: 863857). An algorithm developed to predict the effect of missense changes on protein structure and function outputs the following: PolyPhen-2: "Benign". The asparagine amino acid residue is found in multiple mammalian species, which suggests that this missense change does not adversely affect protein function. In summary, the available evidence is currently insufficient to determine the role of this variant in disease. Therefore, it has been classified as a Variant of Uncertain Significance.

Fulgent Genetics
Classification: Likely benign for Porokeratosis 3, disseminated superficial actinic type; Hyperimmunoglobulin D with periodic fever; Mevalonic aciduria. Last evaluated: 2024-03-08. Review status: criteria provided, single submitter. Criteria: ACMG Guidelines, 2015. Collection method: clinical testing. Allele origin: germline.

Blueprint Genetics
Classification: Likely benign. Last evaluated: 2022-08-08. Review status: criteria provided, single submitter. Criteria: ACMG Guidelines, 2015. Collection method: clinical testing. Allele origin: germline.

CeGaT Center for Human Genetics Tuebingen
Classification: Uncertain significance. Last evaluated: 2019-07-01. Review status: criteria provided, single submitter. Criteria: CeGaT Center For Human Genetics Tuebingen Variant Classification Criteria Version 2. Collection method: clinical testing. Allele origin: germline. Affected: yes. Observed: 1 variant allele.

Genome Diagnostics Laboratory, The Hospital for Sick Children
Classification: Uncertain significance for Autoinflammatory syndrome. Last evaluated: 2016-12-12. Review status: criteria provided, single submitter. Criteria: ACMG Guidelines, 2015. Collection method: clinical testing. Allele origin: germline. Affected: yes.